The following is an entry in ClinVar:

NM_001375765.1(GIGYF1):c.332del (p.Leu111fs)

Gene: GIGYF1 (GRB10 interacting GYF protein 1; minus strand). Cytogenetic location: 7q22.1.
Variant type: Deletion.
Coding change: c.332del on transcript NM_001375765.1 (MANE Select); coding-DNA position 332, one base deleted (T; older notation c.332delT).
Protein change: p.Leu111fs; shifts the reading frame from leucine 111.
Molecular consequence: frameshift variant. On other transcripts: non-coding transcript variant (1).
Genome position (GRCh38, 1-based): chr7:100,687,546, A deleted on the plus strand (T on the coding strand, the reverse complement: GIGYF1 is on the minus strand). VCF-style (leftmost placement, unchanged base first): chr7-100687545-CA-C. GRCh37 (hg19) VCF-style: chr7-100285168-CA-C.
Other names: NM_022574.5:c.332delT; p.(Leu111ArgfsTer234); NM_022574.4:c.332delT; c.332del, p.Leu111fs (NM_001375759.1, NM_001375760.1, NM_001375761.1 and 6 more transcripts); c.332delT (NM_001375765.1); short protein forms L111fs.
Identifiers: ClinVar variation 2575475 (VCV002575475.7), dbSNP rs770150936, ClinGen allele CA4389101.

ClinVar aggregate classification (germline): Conflicting classifications of pathogenicity. Review status: criteria provided, conflicting classifications (1 of 4 stars). 5 submissions from 5 submitters: Pathogenic (1); Likely pathogenic (1); Uncertain significance (2); Likely benign (1). Last evaluated 2026-01-27.

Conditions:
GIGYF1-related disorder. Also called: GIGYF1-related condition.
Gigyf1-related Developmental Disorder.
Neurodevelopmental disorder. Identifiers: MedGen C1535926, MeSH D065886, MONDO:0700092.

Allele frequency attached by ClinVar (database versions not stated): ExAC 0.00004; gnomAD exomes 0.00005; TOPMed 0.00005; gnomAD 0.00004.

Submissions (5):

Centre for Medical Genetics,  Mumbai
Classification: Likely benign for Gigyf1-related Developmental Disorder. Last evaluated: 2026-01-27. Review status: criteria provided, single submitter. Criteria: ACMG Guidelines, 2015. Collection method: provider interpretation. Allele origin: germline. Inheritance: Autosomal dominant inheritance. Affected: no. Observed: 1 heterozygote.
Comment: The variant satisfies PVS1 criteria; Null variant in a gene where loss of function is a known mechanism of disease. The variant satisfies PM2 criteria; Extremely low frequency in gnomAD population databases. The variant satisfies PP5 criteria. Reputable source recently reports variant as pathogenic, but the evidence is not available to the laboratory to perform an independent evaluation. However, the variant satisfies the BS2 criteria; According to gnomAD, present in 74 individuals.

Dasa
Classification: Uncertain significance. Last evaluated: 2026-01-17. Review status: criteria provided, single submitter. Criteria: DASA Assertion Criteria. Collection method: clinical testing. Allele origin: germline.
Comment: NM_001375765.1(GIGYF1):c.332del (p.Leu111fs) is a frameshift variant in GIGYF1 predicted to alter the reading frame and introduce a premature termination codon. Published studies describe this variant in association with related phenotype (PMID: 35917186). Also, this variant is rare in population databases. The currently available literature and clinical evidence are not sufficient to establish a definitive association between this variant and the reported condition. Therefore, this variant is classified as a variant of uncertain significance.

Center for Genomic Medicine, Rigshospitalet, Copenhagen University Hospital
Classification: Uncertain significance. Last evaluated: 2025-03-04. Review status: criteria provided, single submitter. Criteria: ACMG Guidelines, 2015. Collection method: clinical testing. Allele origin: germline.

PreventionGenetics, part of Exact Sciences
Classification: Likely pathogenic for GIGYF1-related condition. Last evaluated: 2024-12-26. Review status: criteria provided, single submitter. Criteria: ACMG Guidelines, 2015. Collection method: clinical testing. Allele origin: germline.
Comment: The GIGYF1 c.332delT variant is predicted to result in a frameshift and premature protein termination (p.Leu111Argfs*234). The p.Leu111Argfs*234 variant has been reported as a recurrent variant in individuals with autism spectrum disorder (ASD), and both de novo and inherited cases have been documented (Chen et al. 2022. PubMed ID: 35917186). This variant was also detected in two individuals without ASD, suggesting incomplete penetrance (Chen et al. 2022. PubMed ID: 35917186). Functional studies showed that this variant leads to improper protein localization in vitro (Chen et al. 2022. PubMed ID: 35917186). At PreventionGenetics, we have observed this variant as de novo in at least three individuals with autism spectrum disorder. Of note, this variant has been reported in the compound heterozygous state in a patient with infancy-onset generalized dystonia (Zech et al. 2020. PubMed ID: 33098801). This variant is reported in 0.016% of alleles in individuals of European (Finnish) descent in gnomAD. Other protein truncating variants in GIGYF1 have been associated with autism spectrum disorder (Kosmicki et al. 2017. PubMed ID: 28191890). Based on this evidence, we interpret this variant as likely pathogenic.

Victorian Clinical Genetics Services, Murdoch Childrens Research Institute
Classification: Pathogenic for Neurodevelopmental disorder. Last evaluated: 2023-07-17. Review status: criteria provided, single submitter. Criteria: ACMG Guidelines, 2015. Collection method: clinical testing. Allele origin: germline. Inheritance: Autosomal dominant inheritance. Affected: yes.
Comment: Based on the classification scheme VCGS_Germline_v1.3.4, this variant is classified as Pathogenic. Following criteria are met: 0102 - Loss of function is a suggested mechanism of disease in this gene and is associated with neurodevelopmental disorder (MONDO#0700092), GIGYF1-related (PMID: 35917186). (I) 0107 - This gene is associated with autosomal dominant disease. (I) 0112 - The condition associated with this gene has incomplete penetrance. A pathogenic variant in this gene has been reported to be inherited from unaffected parents in several families (PMID: 35917186). (I) 0204 - Variant is predicted to result in a truncated protein (functional studies suggest premature termination codons in this gene may escape nonsense-mediated decay (PMID: 35917186)) with at least 1/3 of the protein sequence affected. (SP) 0251 - This variant is heterozygous. (I) 0302 - Variant is present in gnomAD (v2) <0.001 for a dominant condition (10 heterozygotes, 0 homozygote). (SP) 0701 - Other NMD-predicted variants comparable to the one identified in this case have very strong previous evidence for pathogenicity (PMID: 35917186). (SP) 0801 - This variant has strong previous evidence of pathogenicity in unrelated individuals. This variant has been observed in 23 individuals from 20 families with autism. Reports include four de novo occurences, one family where the variant was observed in four affected individuals, and at least six families where the variant was inherited from a seemingly unaffected parent (PMID: 3591718). (SP) 1002 - This variant has moderate functional evidence supporting abnormal protein function. This variant has been shown to produce a truncated protein with increased expression and abnormal localisation, which caused downregulation of the IGF-1R/ERK signalling pathway (PMID: 35917186). (SP) Legend: (SP) - Supporting pathogenic, (I) - Information, (SB) - Supporting benign

Literature cited by the submitters: PubMed 36924980 (cited by Centre for Medical Genetics,  Mumbai); PubMed 35917186 (cited by 3 submitters); PubMed 33057194 (cited by Center for Genomic Medicine, Rigshospitalet, Copenhagen University Hospital); PubMed 3591718 (cited by Victorian Clinical Genetics Services, Murdoch Childrens Research Institute).